The following is an entry in ClinVar:

NM_004304.5(ALK):c.3421G>A (p.Asp1141Asn)

Gene: ALK (ALK receptor tyrosine kinase; minus strand). Cytogenetic location: 2p23.2.
Variant type: single nucleotide variant.
Coding change: c.3421G>A on transcript NM_004304.5 (MANE Select); coding-DNA position 3421, G replaced by A.
Protein change: p.Asp1141Asn; replaces aspartic acid 1141 with asparagine.
Molecular consequence: missense variant.
Genome position (GRCh38, 1-based): chr2:29,222,546, C>T on the plus strand (G>A on the coding strand, the complement: ALK is on the minus strand). VCF-style: chr2-29222546-C-T. GRCh37 (hg19) VCF-style: chr2-29445412-C-T.
Other names: c.217G>A, p.Asp73Asn (NM_001353765.2); short protein forms D1141N, D73N.
Identifiers: ClinVar variation 470828 (VCV000470828.19), dbSNP rs748493584, ClinGen allele CA1593957.

ClinVar aggregate classification (germline): Uncertain significance. Review status: criteria provided, multiple submitters, no conflicts (2 of 4 stars). 6 submissions from 6 submitters: Uncertain significance (6). Last evaluated 2026-01-05.

Conditions:
Hereditary cancer-predisposing syndrome. Also called: Neoplastic Syndromes, Hereditary; Tumor predisposition; Hereditary neoplastic syndrome; Hereditary Cancer Syndrome. Identifiers: Orphanet 140162, MedGen C0027672, MeSH D009386, MONDO:0015356.
Neuroblastoma, susceptibility to, 3. Also called: ALK-Related Neuroblastic Tumor Susceptibility. Identifiers: Orphanet 635, MedGen C2751681, MONDO:0013083, OMIM 613014.

Allele frequency attached by ClinVar (database versions not stated): gnomAD exomes 0.00003 and 0.00004; TOPMed below 0.00001; gnomAD 0.00001; ExAC 0.00002.
gnomAD v4.1: 67 of 1,613,972 alleles (0.0042%); highest among the groups gnomAD compares: South Asian, 0.0055%; no homozygotes.

Submissions (6):

Labcorp Genetics (formerly Invitae), Labcorp
Classification: Uncertain significance for Neuroblastoma, susceptibility to, 3. Last evaluated: 2026-01-05. Review status: criteria provided, single submitter. Criteria: Invitae Variant Classification Sherloc (09022015). Collection method: clinical testing. Allele origin: germline.
Comment: This sequence change replaces aspartic acid, which is acidic and polar, with asparagine, which is neutral and polar, at codon 1141 of the ALK protein (p.Asp1141Asn). This variant is present in population databases (rs748493584, gnomAD 0.008%). This missense change has been observed in individual(s) with colorectal cancer (PMID: 28975465). ClinVar contains an entry for this variant (Variation ID: 470828). An algorithm developed to predict the effect of missense changes on protein structure and function (PolyPhen-2) suggests that this variant is likely to be disruptive. In summary, the available evidence is currently insufficient to determine the role of this variant in disease. Therefore, it has been classified as a Variant of Uncertain Significance.

GeneDx
Classification: Uncertain significance. Last evaluated: 2024-12-31. Review status: criteria provided, single submitter. Criteria: GeneDx Variant Classification Process June 2021. Collection method: clinical testing. Allele origin: germline.
Comment: Observed in an individual with colorectal cancer (PMID: 28975465); Published functional studies demonstrate doxorubicin-induced apoptosis pattern of cells comparable to wild type (PMID: 16880530); In silico analysis supports that this missense variant has a deleterious effect on protein structure/function; This variant is associated with the following publications: (PMID: 34426522, 24129244, 16880530, 28975465)

Ambry Genetics
Classification: Uncertain significance for Hereditary cancer-predisposing syndrome. Last evaluated: 2024-07-16. Review status: criteria provided, single submitter. Criteria: Ambry Variant Classification Scheme 2023. Collection method: clinical testing. Allele origin: germline.
Comment: The p.D1141N variant (also known as c.3421G>A), located in coding exon 21 of the ALK gene, results from a G to A substitution at nucleotide position 3421. The aspartic acid at codon 1141 is replaced by asparagine, an amino acid with highly similar properties. This alteration has been identified in patients with colorectal cancer (Siraj AK et al. Hum. Genet., 2017 11;136:1431-1444; Bavi P et al. Br. J. Cancer, 2013 Nov;109:2735-43). One study showed that this alteration performed similarly to the wild-type allele in terms of sensitivity to doxorubicin-induced apoptosis (Mourali J et al. Mol. Cell. Biol., 2006 Aug;26:6209-22). This amino acid position is not well conserved in available vertebrate species. In addition, this alteration is predicted to be tolerated by in silico analysis. Since supporting evidence is limited at this time, the clinical significance of this alteration remains unclear.

Baylor Genetics
Classification: Uncertain significance for Neuroblastoma, susceptibility to, 3. Last evaluated: 2023-11-27. Review status: criteria provided, single submitter. Criteria: ACMG Guidelines, 2015. Collection method: clinical testing. Allele origin: unknown.

Women's Health and Genetics/Laboratory Corporation of America, LabCorp
Classification: Uncertain significance. Last evaluated: 2018-07-10. Review status: criteria provided, single submitter. Criteria: LabCorp Variant Classification Summary - May 2015. Collection method: clinical testing. Allele origin: germline.
Comment: Variant summary: ALK c.3421G>A (p.Asp1141Asn) results in a conservative amino acid change located in the Catalytic domain of the encoded protein sequence. Four of five in-silico tools predict a damaging effect of the variant on protein function. The variant allele was found at a frequency of 3.2e-05 in 277056 control chromosomes (gnomAD). The available data on variant occurrences in the general population are insufficient to allow any conclusion about variant significance. The variant, c.3421G>A has been reported in the literature in individuals with limited available information (Bavi_2013, Siraj_2017). At least one publication reports experimental evidence evaluating an impact on protein function. These results showed no damaging effect of this variant on doxorubicin-induced apoptosis. A ClinVar submission from a clinical diagnostic laboratory (evaluation after 2014) cites the variant as "uncertain significance." Based on the evidence outlined above, the variant was classified as uncertain significance.

Breakthrough Genomics
Classification: Uncertain significance. Review status: criteria provided, single submitter. Criteria: ACMG Guidelines, 2015. Collection method: not provided. Allele origin: germline. Inheritance: Unknown mechanism. Affected: yes.

Literature cited by the submitters: PubMed 28975465 (cited by Labcorp Genetics (formerly Invitae), Labcorp and Ambry Genetics); PubMed 16880530 (cited by Ambry Genetics and Women's Health and Genetics/Laboratory Corporation of America, LabCorp); PubMed 24129244 (cited by Ambry Genetics and Women's Health and Genetics/Laboratory Corporation of America, LabCorp).